The following is an entry in ClinVar:

ClinVar aggregate classification (germline): Likely benign (1 of 4 stars; one submission).

Submission:

CeGaT Center for Human Genetics Tuebingen
Classification: Likely benign. Last evaluated: 2024-12-01. Review status: criteria provided, single submitter. Criteria: CeGaT Center For Human Genetics Tuebingen Variant Classification Criteria Version 2. Collection method: clinical testing. Allele origin: germline. Affected: yes. Observed: 1 variant allele.
Comment: SYNE1: PM2:Supporting, BP4, BP7

NM_182961.4(SYNE1):c.13629T>C (p.Tyr4543=)

Gene: SYNE1 (spectrin repeat containing nuclear envelope protein 1; minus strand). Cytogenetic location: 6q25.2.
Variant type: single nucleotide variant.
Coding change: c.13629T>C on transcript NM_182961.4 (MANE Select); coding-DNA position 13629, T replaced by C.
Protein change: p.Tyr4543=; no amino-acid change (tyrosine 4543 retained).
Molecular consequence: synonymous variant.
Genome position (GRCh38, 1-based): chr6:152,331,056, A>G on the plus strand (T>C on the coding strand, the complement: SYNE1 is on the minus strand). VCF-style: chr6-152331056-A-G. GRCh37 (hg19) VCF-style: chr6-152652191-A-G.
Other names: c.13416T>C, p.Tyr4472= (NM_033071.5).
Identifiers: ClinVar variation 3771575 (VCV003771575.13).